The following is an entry in ClinVar:

NM_007055.4(POLR3A):c.232G>A (p.Asp78Asn)

Genes: POLR3A (RNA polymerase III subunit A; minus strand), LOC126860971 (CDK7 strongly-dependent group 2 enhancer GRCh37_chr10:79784551-79785750; plus strand). Cytogenetic location: 10q22.3.
Variant type: single nucleotide variant.
Coding change: c.232G>A on transcript NM_007055.4 (MANE Select); coding-DNA position 232, G replaced by A.
Protein change: p.Asp78Asn; replaces aspartic acid 78 with asparagine.
Molecular consequence: missense variant.
Genome position (GRCh38, 1-based): chr10:78,025,708, C>T on the plus strand (G>A on the coding strand, the complement: POLR3A is on the minus strand). VCF-style: chr10-78025708-C-T. GRCh37 (hg19) VCF-style: chr10-79785466-C-T.
Other names: short protein forms D78N.
Identifiers: ClinVar variation 1382598 (VCV001382598.1), dbSNP rs1486185588, ClinGen allele CA377347314.
Genomic context (GRCh38, chr10:78,025,708, plus strand): 5'-AGTACCCTACATGAAAACACGGCAACTCCAGGTCGATATACCCATAGTGGCCTAGACAGT[C>T]AGCCAAGTTTTTCCCACAGGTTTCACATGGACGATCCTTCTCACTCGTACCCTTTGAAAA-3'
Protein context (NP_008986.2, residues 68-88): PCETCGKNLA[Asp78Asn]CLGHYGYIDL

ClinVar aggregate classification (germline): Uncertain significance (1 of 4 stars; one submission).

Allele frequency attached by ClinVar (database versions not stated): gnomAD exomes below 0.00001.
gnomAD v4.1: 2 of 1,614,058 alleles (0.00012%); highest among the groups gnomAD compares: Admixed American, 0.0033%; no homozygotes.

Submission:

Labcorp Genetics (formerly Invitae), Labcorp
Classification: Uncertain significance. Last evaluated: 2021-09-21. Review status: criteria provided, single submitter. Criteria: Invitae Variant Classification Sherloc (09022015). Collection method: clinical testing. Allele origin: germline.
Comment: This sequence change replaces aspartic acid with asparagine at codon 78 of the POLR3A protein (p.Asp78Asn). The aspartic acid residue is moderately conserved and there is a small physicochemical difference between aspartic acid and asparagine. This variant is not present in population databases (ExAC no frequency). This variant has not been reported in the literature in individuals affected with POLR3A-related conditions. Algorithms developed to predict the effect of missense changes on protein structure and function are either unavailable or do not agree on the potential impact of this missense change (SIFT: "Deleterious"; PolyPhen-2: "Benign"; Align-GVGD: "Class C0"). In summary, the available evidence is currently insufficient to determine the role of this variant in disease. Therefore, it has been classified as a Variant of Uncertain Significance.